The following is an entry in ClinVar:

ClinVar aggregate classification (germline): Pathogenic/Likely pathogenic. Review status: criteria provided, multiple submitters, no conflicts (2 of 4 stars). 2 submissions from 2 submitters: Pathogenic (1); Likely pathogenic (1). Last evaluated 2024-08-17.

Conditions:
Autosomal recessive polycystic kidney disease (ARPKD). Also called: AR polycystic kidney disease. Identifiers: Orphanet 731, Orphanet 8378, MedGen C0085548, MeSH D017044, MONDO:0009889.
PKHD1-related disorder. Also called: PKHD1-related condition.

Submissions (2):

Labcorp Genetics (formerly Invitae), Labcorp
Classification: Pathogenic for Autosomal recessive polycystic kidney disease. Last evaluated: 2024-08-17. Review status: criteria provided, single submitter. Criteria: Invitae Variant Classification Sherloc (09022015). Collection method: clinical testing. Allele origin: germline.
Comment: This sequence change creates a premature translational stop signal (p.Leu2263*) in the PKHD1 gene. It is expected to result in an absent or disrupted protein product. Loss-of-function variants in PKHD1 are known to be pathogenic (PMID: 19940839). This variant is not present in population databases (gnomAD no frequency). This variant has not been reported in the literature in individuals affected with PKHD1-related conditions. For these reasons, this variant has been classified as Pathogenic.

Blueprint Genetics
Classification: Likely pathogenic for PKHD1-related disorders. Last evaluated: 2023-07-07. Review status: criteria provided, single submitter. Criteria: ACMG Guidelines, 2015. Collection method: clinical testing. Allele origin: germline. Affected: yes. Observed: 1 variant allele.

Literature cited by the submitters: PubMed 19940839 (cited by Labcorp Genetics (formerly Invitae), Labcorp).

NM_138694.4(PKHD1):c.6788T>A (p.Leu2263Ter)

Gene: PKHD1 (PKHD1 ciliary IPT domain containing fibrocystin/polyductin; minus strand). Cytogenetic location: 6p12.2.
Variant type: single nucleotide variant.
Coding change: c.6788T>A on transcript NM_138694.4 (MANE Select); coding-DNA position 6788, T replaced by A.
Protein change: p.Leu2263Ter; replaces leucine 2263 with a stop codon.
Molecular consequence: nonsense.
Genome position (GRCh38, 1-based): chr6:51,906,235, A>T on the plus strand (T>A on the coding strand, the complement: PKHD1 is on the minus strand). VCF-style: chr6-51906235-A-T. GRCh37 (hg19) VCF-style: chr6-51771033-A-T.
Other names: c.6788T>A, p.Leu2263Ter (NM_170724.3); short protein forms L2263*.
Identifiers: ClinVar variation 3662702 (VCV003662702.3).